The following is an entry in ClinVar:

NM_003105.6(SORL1):c.5986T>A (p.Leu1996Met)

Gene: SORL1 (sortilin related receptor 1; plus strand). Cytogenetic location: 11q24.1.
Variant type: single nucleotide variant.
Coding change: c.5986T>A on transcript NM_003105.6 (MANE Select); coding-DNA position 5986, T replaced by A.
Protein change: p.Leu1996Met; replaces leucine 1996 with methionine.
Molecular consequence: missense variant.
Genome position (GRCh38, 1-based): chr11:121,621,160, T>A. VCF-style: chr11-121621160-T-A. GRCh37 (hg19) VCF-style: chr11-121491869-T-A.
Other names: short protein forms L1996M.
Identifiers: ClinVar variation 1480017 (VCV001480017.6), dbSNP rs2134948229, ClinGen allele CA383044040.

ClinVar aggregate classification (germline): Uncertain significance (1 of 4 stars; one submission).

Submission:

Labcorp Genetics (formerly Invitae), Labcorp
Classification: Uncertain significance. Last evaluated: 2021-08-03. Review status: criteria provided, single submitter. Criteria: Invitae Variant Classification Sherloc (09022015). Collection method: clinical testing. Allele origin: germline.
Comment: In summary, the available evidence is currently insufficient to determine the role of this variant in disease. Therefore, it has been classified as a Variant of Uncertain Significance. Algorithms developed to predict the effect of missense changes on protein structure and function are either unavailable or do not agree on the potential impact of this missense change (SIFT: "Deleterious"; PolyPhen-2: "Probably Damaging"; Align-GVGD: "Class C0"). This variant has not been reported in the literature in individuals affected with SORL1-related conditions. This variant is not present in population databases (ExAC no frequency). This sequence change replaces leucine with methionine at codon 1996 of the SORL1 protein (p.Leu1996Met). The leucine residue is moderately conserved and there is a small physicochemical difference between leucine and methionine.